The following is an entry in ClinVar:

NM_173551.5(ANKS6):c.1096C>T (p.Gln366Ter)

Gene: ANKS6 (ankyrin repeat and sterile alpha motif domain containing 6; minus strand). Cytogenetic location: 9q22.33.
Variant type: single nucleotide variant.
Coding change: c.1096C>T on transcript NM_173551.5 (MANE Select); coding-DNA position 1096, C replaced by T.
Protein change: p.Gln366Ter; replaces glutamine 366 with a stop codon.
Molecular consequence: nonsense.
Genome position (GRCh38, 1-based): chr9:98,783,969, G>A on the plus strand (C>T on the coding strand, the complement: ANKS6 is on the minus strand). VCF-style: chr9-98783969-G-A. GRCh37 (hg19) VCF-style: chr9-101546251-G-A.
Other names: short protein forms Q366*.
Identifiers: ClinVar variation 2982283 (VCV002982283.3), dbSNP rs2490410610, ClinGen allele CA374216970.

ClinVar aggregate classification (germline): Pathogenic (1 of 4 stars; one submission).

Conditions:
Nephronophthisis 16 (NPHP16). Identifiers: Orphanet 655, MedGen C3809320, MONDO:0014158, OMIM 615382.

Submission:

Labcorp Genetics (formerly Invitae), Labcorp
Classification: Pathogenic for Nephronophthisis 16. Last evaluated: 2024-06-03. Review status: criteria provided, single submitter. Criteria: Invitae Variant Classification Sherloc (09022015). Collection method: clinical testing. Allele origin: germline.
Comment: This sequence change creates a premature translational stop signal (p.Gln366*) in the ANKS6 gene. It is expected to result in an absent or disrupted protein product. Loss-of-function variants in ANKS6 are known to be pathogenic (PMID: 23793029, 25599650). This variant is not present in population databases (gnomAD no frequency). This variant has not been reported in the literature in individuals affected with ANKS6-related conditions. Algorithms developed to predict the effect of sequence changes on RNA splicing suggest that this variant may disrupt the consensus splice site. For these reasons, this variant has been classified as Pathogenic.

Literature cited by the submitters: PubMed 23793029; PubMed 25599650.